The following is an entry in ClinVar:

NM_020778.5(ALPK3):c.4822G>A (p.Ala1608Thr)

Gene: ALPK3 (alpha kinase 3; plus strand). Cytogenetic location: 15q25.3.
Variant type: single nucleotide variant.
Coding change: c.4822G>A on transcript NM_020778.5 (MANE Select); coding-DNA position 4822, G replaced by A.
Protein change: p.Ala1608Thr; replaces alanine 1608 with threonine.
Molecular consequence: missense variant.
Genome position (GRCh38, 1-based): chr15:84,868,160, G>A. VCF-style: chr15-84868160-G-A. GRCh37 (hg19) VCF-style: chr15-85411391-G-A.
Other names: c.5428G>A (NM_020778.4); short protein forms A1608T.
Identifiers: ClinVar variation 1525741 (VCV001525741.7), dbSNP rs763590744, ClinGen allele CA7710100.

ClinVar aggregate classification (germline): Uncertain significance. Review status: criteria provided, multiple submitters, no conflicts (2 of 4 stars). 2 submissions from 2 submitters: Uncertain significance (2). Last evaluated 2025-08-06.

Conditions:
Cardiovascular phenotype. Identifiers: MedGen CN230736.

Allele frequency attached by ClinVar (database versions not stated): gnomAD exomes below 0.00001 and 0.00001; gnomAD 0.00001; TOPMed 0.00001; ExAC 0.00002.
gnomAD v4.1: 14 of 1,613,750 alleles (0.00087%); highest among the groups gnomAD compares: East Asian, 0.0022%; no homozygotes.

Submissions (2):

Ambry Genetics
Classification: Uncertain significance for Cardiovascular phenotype. Last evaluated: 2025-08-06. Review status: criteria provided, single submitter. Criteria: Ambry Variant Classification Scheme 2023. Collection method: clinical testing. Allele origin: germline.

Labcorp Genetics (formerly Invitae), Labcorp
Classification: Uncertain significance. Last evaluated: 2024-10-18. Review status: criteria provided, single submitter. Criteria: Invitae Variant Classification Sherloc (09022015). Collection method: clinical testing. Allele origin: germline.
Comment: This sequence change replaces alanine, which is neutral and non-polar, with threonine, which is neutral and polar, at codon 1810 of the ALPK3 protein (p.Ala1810Thr). This variant is present in population databases (rs763590744, gnomAD 0.01%). This variant has not been reported in the literature in individuals affected with ALPK3-related conditions. ClinVar contains an entry for this variant (Variation ID: 1525741). Invitae Evidence Modeling of protein sequence and biophysical properties (such as structural, functional, and spatial information, amino acid conservation, physicochemical variation, residue mobility, and thermodynamic stability) indicates that this missense variant is not expected to disrupt ALPK3 protein function with a negative predictive value of 80%. In summary, the available evidence is currently insufficient to determine the role of this variant in disease. Therefore, it has been classified as a Variant of Uncertain Significance.